The following is an entry in ClinVar:

NM_001348768.2(HECW2):c.4282G>A (p.Gly1428Ser)

Gene: HECW2 (HECT, C2 and WW domain containing E3 ubiquitin protein ligase 2; minus strand). Cytogenetic location: 2q32.3.
Variant type: single nucleotide variant.
Coding change: c.4282G>A on transcript NM_001348768.2 (MANE Select); coding-DNA position 4282, G replaced by A.
Protein change: p.Gly1428Ser; replaces glycine 1428 with serine.
Molecular consequence: missense variant.
Genome position (GRCh38, 1-based): chr2:196,220,806, C>T on the plus strand (G>A on the coding strand, the complement: HECW2 is on the minus strand). VCF-style: chr2-196220806-C-T. GRCh37 (hg19) VCF-style: chr2-197085530-C-T.
Other names: c.3214G>A, p.Gly1072Ser (NM_001304840.3); c.4282G>A, p.Gly1428Ser (NM_020760.4); short protein forms G1072S, G1428S.
Identifiers: ClinVar variation 5006186 (VCV005006186.2).

ClinVar aggregate classification (germline): Uncertain significance (1 of 4 stars; one submission).

Conditions:
Neurodevelopmental disorder with hypotonia, seizures, and absent language (NDHSAL). Identifiers: MedGen C4310643, MONDO:0014995, OMIM 617268.

gnomAD v4.1: 1 of 1,614,098 alleles (0.000062%); highest among the groups gnomAD compares: Non-Finnish European, 0.000085%; no homozygotes.

Submission:

Juno Genomics, Hangzhou Juno Genomics, Inc
Classification: Uncertain significance for Neurodevelopmental disorder with hypotonia, seizures, and absent language. Review status: criteria provided, single submitter. Criteria: ACMG Guidelines, 2015. Collection method: clinical testing. Allele origin: germline.
Comment: Absent from controls (or at extremely low frequency if recessive) in Genome Aggregation Database.;Missense variant in a gene that has a low rate of benign missense variation.;Multiple lines of computational evidence support a deleterious effect on the gene or gene product.